The following is an entry in ClinVar:

NM_000059.4(BRCA2):c.8189C>T (p.Ala2730Val)

Gene: BRCA2 (BRCA2 DNA repair associated; plus strand). Cytogenetic location: 13q13.1.
Variant type: single nucleotide variant.
Coding change: c.8189C>T on transcript NM_000059.4 (MANE Select); coding-DNA position 8189, C replaced by T.
Protein change: p.Ala2730Val; replaces alanine 2730 with valine.
Molecular consequence: missense variant.
Genome position (GRCh38, 1-based): chr13:32,363,391, C>T. VCF-style: chr13-32363391-C-T. GRCh37 (hg19) VCF-style: chr13-32937528-C-T.
Other names: short protein forms A2730V.
Identifiers: ClinVar variation 52522 (VCV000052522.25), dbSNP rs80359067, ClinGen allele CA025500.

ClinVar aggregate classification (germline): Uncertain significance. Review status: criteria provided, multiple submitters, no conflicts (2 of 4 stars). 5 submissions from 5 submitters: Uncertain significance (4). 1 of the submissions does not count toward it. Last evaluated 2026-05-07.

Conditions:
Hereditary cancer-predisposing syndrome. Also called: Neoplastic Syndromes, Hereditary; Hereditary neoplastic syndrome; Tumor predisposition; Hereditary Cancer Syndrome. Identifiers: Orphanet 140162, MedGen C0027672, MeSH D009386, MONDO:0015356.
Hereditary breast ovarian cancer syndrome. Also called: Hereditary breast and/or ovarian cancer syndrome; Hereditary breast and ovarian cancer; Hereditary breast and ovarian cancer syndrome (HBOC); Breast and ovarian cancer; BRCA1- and BRCA2-Associated Hereditary Breast and Ovarian Cancer; Hereditary breast and ovarian cancer syndrome. Identifiers: Orphanet 145, MedGen C0677776, MeSH D061325, MONDO:0003582. Disease mechanism: loss of function.
Breast-ovarian cancer, familial, susceptibility to, 2 (BROVCA2). Also called: BRCA2 Hereditary Breast and Ovarian Cancer. Identifiers: Orphanet 145, MedGen C2675520, MONDO:0012933, OMIM 612555. Disease mechanism: loss of function.

Allele frequency attached by ClinVar (database versions not stated): gnomAD exomes below 0.00001.
gnomAD v4.1: 1 of 1,614,118 alleles (0.000062%); highest among the groups gnomAD compares: South Asian, 0.0011%; no homozygotes.

Submissions (5):

Ambry Genetics
Classification: Uncertain significance for Hereditary cancer-predisposing syndrome. Last evaluated: 2026-05-07. Review status: criteria provided, single submitter. Criteria: Ambry Variant Classification Scheme 2023. Collection method: clinical testing. Allele origin: germline.
Comment: The p.A2730V variant (also known as c.8189C>T), located in coding exon 17 of the BRCA2 gene, results from a C to T substitution at nucleotide position 8189. The alanine at codon 2730 is replaced by valine, an amino acid with similar properties. This variant demonstrated a hypomorphic impact in a homology-directed repair assay (Ambry internal data). A saturation genome editing-based study using a haploid cell-survival assay demonstrates that this nucleotide substitution is functional (Huang H et al. Nature. 2025 Feb;638(8050):528-537). This amino acid position is well conserved in available vertebrate species. In addition, this alteration is predicted to be deleterious by in silico analysis. Based on the available evidence, the clinical significance of this variant remains unclear.

Labcorp Genetics (formerly Invitae), Labcorp
Classification: Uncertain significance for Hereditary breast ovarian cancer syndrome. Last evaluated: 2025-08-31. Review status: criteria provided, single submitter. Criteria: Invitae Variant Classification Sherloc (09022015). Collection method: clinical testing. Allele origin: germline.
Comment: This sequence change replaces alanine, which is neutral and non-polar, with valine, which is neutral and non-polar, at codon 2730 of the BRCA2 protein (p.Ala2730Val). This variant is present in population databases (rs80359067, gnomAD 0.003%). This missense change has been observed in individual(s) with clinical features of BRCA2-related conditions (PMID: 10923033). ClinVar contains an entry for this variant (Variation ID: 52522). Invitae Evidence Modeling of protein sequence and biophysical properties (such as structural, functional, and spatial information, amino acid conservation, physicochemical variation, residue mobility, and thermodynamic stability) indicates that this missense variant is not expected to disrupt BRCA2 protein function with a negative predictive value of 95%. Experimental studies are conflicting or provide insufficient evidence to determine the effect of this variant on BRCA2 function (PMID: 29394989). This variant disrupts the p.Ala2730 amino acid residue in BRCA2. Other variant(s) that disrupt this residue have been determined to be pathogenic (PMID: 25186627, 28888541, 31853058, 32886903, 33609447; internal data). This suggests that this residue is clinically significant, and that variants that disrupt this residue are likely to be disease-causing. In summary, the available evidence is currently insufficient to determine the role of this variant in disease. Therefore, it has been classified as a Variant of Uncertain Significance.

ARUP Laboratories, Molecular Genetics and Genomics, ARUP Laboratories
Classification: Uncertain significance. Last evaluated: 2020-08-25. Review status: criteria provided, single submitter. Criteria: ARUP Molecular Germline Variant Investigation Process. Collection method: clinical testing. Allele origin: germline.
Comment: The BRCA2 c.8189C>T; p.Ala2730Val variant (rs80359067), to our knowledge, is not reported in the medical literature in association with disease but is reported in ClinVar (Variation ID: 52522). This variant is only observed on one allele in the Genome Aggregation Database, indicating it is not a common polymorphism. The alanine at codon 2730 is highly conserved, and computational analyses (SIFT: tolerated, PolyPhen-2: damaging) predict conflicting effects of this variant on protein structure/function. Due to limited information, the clinical significance of the p.Ala2730Val variant is uncertain at this time.

Color Diagnostics, LLC DBA Color Health
Classification: Uncertain significance for Hereditary cancer-predisposing syndrome. Last evaluated: 2019-04-28. Review status: criteria provided, single submitter. Criteria: ACMG Guidelines, 2015. Collection method: clinical testing. Allele origin: germline.

Breast Cancer Information Core (BIC) (BRCA2)
Classification: Uncertain significance for Breast-ovarian cancer, familial 2. Last evaluated: 2001-10-29. Review status: no assertion criteria provided. Collection method: clinical testing. Allele origin: germline. Affected: yes. Observed: 1 variant allele. Not counted in ClinVar's aggregate classification.

Literature cited by the submitters: PubMed 10923033 (cited by Labcorp Genetics (formerly Invitae), Labcorp); PubMed 29394989 (cited by Labcorp Genetics (formerly Invitae), Labcorp); PubMed 25186627 (cited by Labcorp Genetics (formerly Invitae), Labcorp); PubMed 28888541 (cited by Labcorp Genetics (formerly Invitae), Labcorp); PubMed 31853058 (cited by Labcorp Genetics (formerly Invitae), Labcorp); PubMed 32886903 (cited by Labcorp Genetics (formerly Invitae), Labcorp); PubMed 33609447 (cited by Labcorp Genetics (formerly Invitae), Labcorp).